The following is an entry in ClinVar:

ClinVar aggregate classification (germline): Pathogenic/Likely pathogenic. Review status: criteria provided, multiple submitters, no conflicts (2 of 4 stars). 2 submissions from 2 submitters: Pathogenic (1); Likely pathogenic (1). Last evaluated 2022-10-25.

Conditions:
Combined immunodeficiency due to DOCK8 deficiency (HIES2). Also called: HIES autosomal recessive; DOCK8 Deficiency; HYPER-IgE RECURRENT INFECTION SYNDROME 2, AUTOSOMAL RECESSIVE; HYPER-IgE SYNDROME 2, AUTOSOMAL RECESSIVE, WITH RECURRENT INFECTIONS; Hyper-IgE recurrent infection syndrome, autosomal recessive. Identifiers: Orphanet 217390, MedGen C4722305, MONDO:0009478, OMIM 243700.

Submissions (2):

Labcorp Genetics (formerly Invitae), Labcorp
Classification: Pathogenic for Combined immunodeficiency due to DOCK8 deficiency. Last evaluated: 2022-10-25. Review status: criteria provided, single submitter. Criteria: Invitae Variant Classification Sherloc (09022015). Collection method: clinical testing. Allele origin: germline.
Comment: For these reasons, this variant has been classified as Pathogenic. ClinVar contains an entry for this variant (Variation ID: 872498). This premature translational stop signal has been observed in individual(s) with clinical features of Hyper IgE syndrome (PMID: 31242861). This variant is not present in population databases (gnomAD no frequency). This sequence change creates a premature translational stop signal (p.Phe1113Leufs*2) in the DOCK8 gene. It is expected to result in an absent or disrupted protein product. Loss-of-function variants in DOCK8 are known to be pathogenic (PMID: 14722525, 19776401).

CeGaT Center for Human Genetics Tuebingen
Classification: Likely pathogenic. Last evaluated: 2019-08-01. Review status: criteria provided, single submitter. Criteria: CeGaT Center For Human Genetics Tuebingen Variant Classification Criteria Version 2. Collection method: clinical testing. Allele origin: germline. Affected: yes. Observed: 1 variant allele.

Literature cited by the submitters: PubMed 31242861 (cited by Labcorp Genetics (formerly Invitae), Labcorp); PubMed 14722525 (cited by Labcorp Genetics (formerly Invitae), Labcorp); PubMed 19776401 (cited by Labcorp Genetics (formerly Invitae), Labcorp).

NM_203447.4(DOCK8):c.3339del (p.Phe1113fs)

Gene: DOCK8 (dedicator of cytokinesis 8; plus strand). Cytogenetic location: 9p24.3.
Variant type: Deletion.
Coding change: c.3339del on transcript NM_203447.4 (MANE Select); coding-DNA position 3339, one base deleted (T; older notation c.3339delT).
Protein change: p.Phe1113fs; shifts the reading frame from phenylalanine 1113.
Molecular consequence: frameshift variant.
Genome position (GRCh38, 1-based): chr9:405,022, T deleted; the last of 8 consecutive T bases (chr9:405,015-405,022); deleting any one gives the same sequence. VCF-style (leftmost placement, unchanged base first): chr9-405014-CT-C. GRCh37 (hg19) VCF-style: chr9-405014-CT-C.
Other names: c.3039del, p.Phe1013fs (NM_001190458.2); c.3135del, p.Phe1045fs (NM_001193536.2); short protein forms F1013fs, F1045fs, F1113fs.
Identifiers: ClinVar variation 872498 (VCV000872498.51), dbSNP rs748134881, ClinGen allele CA4958640.